The following is an entry in ClinVar:

NM_139057.4(ADAMTS17):c.*425C>A

Gene: ADAMTS17 (ADAM metallopeptidase with thrombospondin type 1 motif 17; minus strand). Cytogenetic location: 15q26.3.
Variant type: single nucleotide variant.
Coding change: c.*425C>A on transcript NM_139057.4 (MANE Select); 425 bases downstream of the stop codon, C replaced by A.
Molecular consequence: 3 prime UTR variant.
Genome position (GRCh38, 1-based): chr15:99,973,977, G>T on the plus strand (C>A on the coding strand, the complement: ADAMTS17 is on the minus strand). VCF-style: chr15-99973977-G-T. GRCh37 (hg19) VCF-style: chr15-100514182-G-T.
Identifiers: ClinVar variation 315231 (VCV000315231.5), dbSNP rs574877864, ClinGen allele CA10646891.

ClinVar aggregate classification (germline): Benign (1 of 4 stars; one submission).

Conditions:
Weill-Marchesani 4 syndrome, recessive. Also called: Weill-Marchesani syndrome 4. Identifiers: Orphanet 363992, MedGen C2750787, MONDO:0013176, OMIM 613195.

Allele frequency attached by ClinVar (database versions not stated): gnomAD 0.00029 and 0.00130; TOPMed 0.00055; gnomAD exomes 0.00560; 1000 Genomes Project 0.00719; 1000 Genomes Project 30x 0.00765.
gnomAD v4.1: 888 of 278,720 alleles (0.32%); highest among the groups gnomAD compares: South Asian, 2.8%; 24 homozygotes.

Submission:

Illumina Laboratory Services, Illumina
Classification: Benign for Weill-Marchesani 4 syndrome, recessive. Last evaluated: 2018-01-12. Review status: criteria provided, single submitter. Criteria: ICSL Variant Classification Criteria 13 December 2019. Collection method: clinical testing. Allele origin: germline.
Comment: This variant was observed in the ICSL laboratory as part of a predisposition screen in an ostensibly healthy population. It had not been previously curated by ICSL or reported in the Human Gene Mutation Database (HGMD: prior to June 1st, 2018), and was therefore a candidate for classification through an automated scoring system. Utilizing variant allele frequency, disease prevalence and penetrance estimates, and inheritance mode, an automated score was calculated to assess if this variant is too frequent to cause the disease. Based on the score and internal cut-off values, a variant classified as benign is not then subjected to further curation. The score for this variant resulted in a classification of benign for this disease.